The following is an entry in ClinVar:

ClinVar aggregate classification (germline): Uncertain significance (1 of 4 stars; one submission).

Conditions:
Charcot-Marie-Tooth disease axonal type 2O. Also called: Charcot-Marie-Tooth disease, axonal, type 20; CHARCOT-MARIE-TOOTH NEUROPATHY, AXONAL, TYPE 2O; CHARCOT-MARIE-TOOTH DISEASE, AXONAL, AUTOSOMAL DOMINANT, TYPE 2O; Charcot-Marie-Tooth Neuropathy Type 2O. Identifiers: Orphanet 284232, MedGen C3280220, MONDO:0013644, OMIM 614228.

Submission:

Labcorp Genetics (formerly Invitae), Labcorp
Classification: Uncertain significance for Charcot-Marie-Tooth disease axonal type 2O. Last evaluated: 2024-12-15. Review status: criteria provided, single submitter. Criteria: Invitae Variant Classification Sherloc (09022015). Collection method: clinical testing. Allele origin: germline.
Comment: This sequence change replaces alanine, which is neutral and non-polar, with serine, which is neutral and polar, at codon 54 of the DYNC1H1 protein (p.Ala54Ser). This variant is not present in population databases (gnomAD no frequency). This variant has not been reported in the literature in individuals affected with DYNC1H1-related conditions. Invitae Evidence Modeling of protein sequence and biophysical properties (such as structural, functional, and spatial information, amino acid conservation, physicochemical variation, residue mobility, and thermodynamic stability) indicates that this missense variant is not expected to disrupt DYNC1H1 protein function with a negative predictive value of 95%. In summary, the available evidence is currently insufficient to determine the role of this variant in disease. Therefore, it has been classified as a Variant of Uncertain Significance.

NM_001376.5(DYNC1H1):c.160G>T (p.Ala54Ser)

Gene: DYNC1H1 (dynein cytoplasmic 1 heavy chain 1; plus strand). Cytogenetic location: 14q32.31.
Variant type: single nucleotide variant.
Coding change: c.160G>T on transcript NM_001376.5 (MANE Select); coding-DNA position 160, G replaced by T.
Protein change: p.Ala54Ser; replaces alanine 54 with serine.
Molecular consequence: missense variant.
Genome position (GRCh38, 1-based): chr14:101,964,851, G>T. VCF-style: chr14-101964851-G-T. GRCh37 (hg19) VCF-style: chr14-102431188-G-T.
Other names: short protein forms A54S.
Identifiers: ClinVar variation 3714801 (VCV003714801.2).